The following is an entry in ClinVar:

NM_006648.4(WNK2):c.2069C>T (p.Ala690Val)

Gene: WNK2 (WNK lysine deficient protein kinase 2; plus strand). Cytogenetic location: 9q22.31.
Variant type: single nucleotide variant.
Coding change: c.2069C>T on transcript NM_006648.4 (MANE Select); coding-DNA position 2069, C replaced by T.
Protein change: p.Ala690Val; replaces alanine 690 with valine.
Molecular consequence: missense variant.
Genome position (GRCh38, 1-based): chr9:93,256,333, C>T. VCF-style: chr9-93256333-C-T. GRCh37 (hg19) VCF-style: chr9-96018615-C-T.
Other names: c.2069C>T, p.Ala690Val (NM_001282394.3); short protein forms A690V.
Identifiers: ClinVar variation 4605245 (VCV004605245.1).

ClinVar aggregate classification (germline): Uncertain significance (1 of 4 stars; one submission).

gnomAD v4.1: 3 of 1,584,068 alleles (0.00019%); highest among the groups gnomAD compares: South Asian, 0.0034%; no homozygotes.

Submission:

Ambry Genetics
Classification: Uncertain significance. Last evaluated: 2025-10-12. Review status: criteria provided, single submitter. Criteria: Ambry Variant Classification Scheme 2023. Collection method: clinical testing. Allele origin: germline.
Comment: The p.A690V variant (also known as c.2069C>T), located in coding exon 9 of the WNK2 gene, results from a C to T substitution at nucleotide position 2069. The alanine at codon 690 is replaced by valine, an amino acid with similar properties. This amino acid position is conserved. In addition, this alteration is predicted to be tolerated by in silico analysis. Based on the available evidence, the clinical significance of this variant remains unclear.